The following is an entry in ClinVar:

NM_004304.5(ALK):c.3520T>A (p.Phe1174Ile)

Gene: ALK (ALK receptor tyrosine kinase; minus strand). Cytogenetic location: 2p23.2.
Variant type: single nucleotide variant.
Coding change: c.3520T>A on transcript NM_004304.5 (MANE Select); coding-DNA position 3520, T replaced by A.
Protein change: p.Phe1174Ile; replaces phenylalanine 1174 with isoleucine.
Molecular consequence: missense variant.
Genome position (GRCh38, 1-based): chr2:29,220,831, A>T on the plus strand (T>A on the coding strand, the complement: ALK is on the minus strand). VCF-style: chr2-29220831-A-T. GRCh37 (hg19) VCF-style: chr2-29443697-A-T.
Other names: c.316T>A, p.Phe106Ile (NM_001353765.2); short protein forms F1174I, F106I.
Identifiers: ClinVar variation 217850 (VCV000217850.2), dbSNP rs281864719, ClinGen allele CA277834.

ClinVar aggregate classification (germline): Pathogenic (0 of 4 stars; one submission).
ClinVar aggregate classification (somatic clinical impact): Tier I - Strong (1 of 4 stars; one submission).

Conditions:
Neuroblastoma, susceptibility to, 3. Also called: ALK-Related Neuroblastic Tumor Susceptibility. Identifiers: Orphanet 635, MedGen C2751681, MONDO:0013083, OMIM 613014.
Neuroblastoma (NB). Identifiers: Orphanet 635, MedGen C0027819, MeSH D009447, MONDO:0005072, HP:0003006.

Submissions (2):

Institute for Genomic Medicine (IGM) Clinical Laboratory, Nationwide Children's Hospital
Classification: Tier I - Strong for Neuroblastoma. Assertion type: diagnostic. Clinical significance: supports diagnosis. Last evaluated: 2024-11-06. Review status: criteria provided, single submitter. Criteria: AMP/ASCO/CAP Guidelines, 2017. Collection method: clinical testing. Allele origin: somatic. Affected: yes.
Comment: Variant has Tier I (strong) clinical significance as a diagnostic inclusion criterion in neuroblastoma, based on the following evidence: 1) Documented in one or more cancer databases (e.g., St. Jude Pecan, COSMIC, CIViC, OncoKB). 2) Appears in one or more well-established professional guidelines (e.g., World Health Organization [WHO]; National Comprehensive Cancer Network [NCCN]) as providing diagnostic, prognostic, or therapeutic information. 3) Information in the literature supports potential biologic effect of variant. 4) Diagnostic for a specific tumor type/classification based on well-powered studies with expert-level consensus (Evidence Level B; PMIDs: 18724359, 18990089, 18923524, 18923523, 21632861, 23334666, 25517749, 33056981).

Genomic Diagnostic Laboratory, Division of Genomic Diagnostics, Children's Hospital of Philadelphia
Classification: Pathogenic for Neuroblastoma, susceptibility to, 3. Last evaluated: 2015-11-06. Review status: no assertion criteria provided. Collection method: clinical testing. Allele origin: somatic. Affected: yes. Observed: 2 variant alleles.
Comment: Clinical Testing

Literature cited by the submitters: PubMed 18724359 (cited by Institute for Genomic Medicine (IGM) Clinical Laboratory, Nationwide Children's Hospital); PubMed 18990089 (cited by Institute for Genomic Medicine (IGM) Clinical Laboratory, Nationwide Children's Hospital); PubMed 18923524 (cited by Institute for Genomic Medicine (IGM) Clinical Laboratory, Nationwide Children's Hospital); PubMed 18923523 (cited by Institute for Genomic Medicine (IGM) Clinical Laboratory, Nationwide Children's Hospital); PubMed 21632861 (cited by Institute for Genomic Medicine (IGM) Clinical Laboratory, Nationwide Children's Hospital); PubMed 23334666 (cited by Institute for Genomic Medicine (IGM) Clinical Laboratory, Nationwide Children's Hospital); PubMed 25517749 (cited by Institute for Genomic Medicine (IGM) Clinical Laboratory, Nationwide Children's Hospital); PubMed 33056981 (cited by Institute for Genomic Medicine (IGM) Clinical Laboratory, Nationwide Children's Hospital).